The following is an entry in ClinVar:

NM_002029.4(FPR1):c.274C>A (p.Pro92Thr)

Gene: FPR1 (formyl peptide receptor 1; minus strand). Cytogenetic location: 19q13.41.
Variant type: single nucleotide variant.
Coding change: c.274C>A on transcript NM_002029.4 (MANE Select); coding-DNA position 274, C replaced by A.
Protein change: p.Pro92Thr; replaces proline 92 with threonine.
Molecular consequence: missense variant.
Genome position (GRCh38, 1-based): chr19:51,746,721, G>T on the plus strand (C>A on the coding strand, the complement: FPR1 is on the minus strand). VCF-style: chr19-51746721-G-T. GRCh37 (hg19) VCF-style: chr19-52249974-G-T.
Other names: c.274C>A, p.Pro92Thr (NM_001193306.2); short protein forms P92T.
Identifiers: ClinVar variation 656419 (VCV000656419.10), dbSNP rs750324912, ClinGen allele CA9616499.

ClinVar aggregate classification (germline): Uncertain significance. Review status: criteria provided, multiple submitters, no conflicts (2 of 4 stars). 2 submissions from 2 submitters: Uncertain significance (2). Last evaluated 2025-09-19.

Conditions:
Gingival disorder. Also called: Gingival disease. Identifiers: MedGen C0017563, MONDO:0002021.

Allele frequency attached by ClinVar (database versions not stated): gnomAD 0.00006; ExAC 0.00008; gnomAD exomes 0.00008; TOPMed 0.00009.

Submissions (2):

Labcorp Genetics (formerly Invitae), Labcorp
Classification: Uncertain significance for Gingival disorder. Last evaluated: 2025-09-19. Review status: criteria provided, single submitter. Criteria: Invitae Variant Classification Sherloc (09022015). Collection method: clinical testing. Allele origin: germline.
Comment: This sequence change replaces proline, which is neutral and non-polar, with threonine, which is neutral and polar, at codon 92 of the FPR1 protein (p.Pro92Thr). This variant is present in population databases (rs750324912, gnomAD 0.01%). This variant has not been reported in the literature in individuals affected with FPR1-related conditions. ClinVar contains an entry for this variant (Variation ID: 656419). An algorithm developed to predict the effect of missense changes on protein structure and function (PolyPhen-2) suggests that this variant is likely to be disruptive. In summary, the available evidence is currently insufficient to determine the role of this variant in disease. Therefore, it has been classified as a Variant of Uncertain Significance.

Ambry Genetics
Classification: Uncertain significance. Last evaluated: 2023-01-24. Review status: criteria provided, single submitter. Criteria: Ambry Variant Classification Scheme 2023. Collection method: clinical testing. Allele origin: germline.